The following is an entry in ClinVar:

NM_002354.3(EPCAM):c.373_374insC (p.Arg125fs)

Gene: EPCAM (epithelial cell adhesion molecule; plus strand). Cytogenetic location: 2p21.
Variant type: Insertion.
Coding change: c.373_374insC on transcript NM_002354.3 (MANE Select); coding-DNA positions 373 to 374, C inserted.
Protein change: p.Arg125fs; shifts the reading frame from arginine 125.
Molecular consequence: frameshift variant.
Genome position: GRCh38 VCF-style: chr2-47373996-A-AC. GRCh37 (hg19) VCF-style: chr2-47601135-A-AC.
Other names: short protein forms R125fs.
Identifiers: ClinVar variation 488505 (VCV000488505.4), dbSNP rs1553342984, ClinGen allele CA658683183.
Genomic context (GRCh38, chr2:47,373,996, plus strand): 5'-TTTAAGGCCAAGCAGTGCAACGGCACCTCCATGTGCTGGTGTGTGAACACTGCTGGGGTC[A>AC]GAAGAACAGACAAGGACACTGAAATAACCTGCTCTGAGCGAGTGAGAACCTAGTGAGTGG-3'

ClinVar aggregate classification (germline): Pathogenic/Likely pathogenic. Review status: criteria provided, multiple submitters, no conflicts (2 of 4 stars). 2 submissions from 2 submitters: Pathogenic (1); Likely pathogenic (1). Last evaluated 2017-11-16.

Conditions:
Congenital diarrhea 5 with tufting enteropathy. Also called: Congenital tufting enteropathy; INTESTINAL EPITHELIAL CELL DYSPLASIA. Identifiers: Orphanet 92050, MedGen C2750737, MONDO:0013184, OMIM 613217.

Allele frequency attached by ClinVar (database versions not stated): gnomAD exomes below 0.00001.

Submissions (2):

Institute of Human Genetics Munich, TUM University Hospital
Classification: Pathogenic for Congenital diarrhea 5 with tufting enteropathy. Last evaluated: 2017-11-16. Review status: criteria provided, single submitter. Criteria: Classification criteria August 2017. Collection method: clinical testing. Allele origin: germline. Inheritance: Autosomal recessive inheritance. Affected: yes. Observed: 1 homozygote.

Neuberg Centre For Genomic Medicine, NCGM
Classification: Likely pathogenic for Congenital diarrhea 5 with tufting enteropathy. Review status: criteria provided, single submitter. Criteria: ACMG Guidelines, 2015. Collection method: clinical testing. Allele origin: germline. Inheritance: Autosomal recessive inheritance. Affected: yes.
Comment: The observed frameshift c.373_374insC (p.Arg125ThrfsTer8) variant in EPCAM gene has been submitted to the ClinVar database as Pathogenic. The p.Arg125ThrfsTer8 variant is absent in gnomAD Exomes. This variant causes a frameshift starting with codon Arginine 125, changes this amino acid to Threonine residue, and creates a premature Stop codon at position 8 of the new reading frame, denoted p.Arg125ThrfsTer8. This variant is predicted to cause loss of normal protein function through protein truncation. Loss of function variants have been previously reported to be disease causing. However, additional functional studies will be required to prove the pathogenicity of this variant. For these reasons, this variant has been classified as Likely Pathogenic.